The following is an entry in ClinVar:

NM_001134673.4(NFIA):c.400del (p.Met133_Val134insTer)

Gene: NFIA (nuclear factor I A; plus strand). Cytogenetic location: 1p31.3.
Variant type: Deletion.
Coding change: c.400del on transcript NM_001134673.4 (MANE Select); coding-DNA position 400, one base deleted (G; older notation c.400delG).
Protein change: p.Met133_Val134insTer.
Molecular consequence: nonsense.
Genome position (GRCh38, 1-based): chr1:61,088,521, G deleted; the last of 2 consecutive G bases (chr1:61,088,520-61,088,521); deleting either gives the same sequence. VCF-style (leftmost placement, unchanged base first): chr1-61088519-TG-T. GRCh37 (hg19) VCF-style: chr1-61554191-TG-T.
Other names: NM_005595.5:c.400del; c.376del, p.Met125_Val126insTer (NM_001145511.2); c.535del, p.Met178_Val179insTer (NM_001145512.2); c.400del, p.Met133_Val134insTer (NM_005595.5).
Identifiers: ClinVar variation 2412704 (VCV002412704.1), dbSNP rs2524200871, ClinGen allele CA2573332380.

ClinVar aggregate classification (germline): Likely pathogenic (1 of 4 stars; one submission).

Conditions:
Brain malformations with or without urinary tract defects. Also called: Brain malformations and urinary tract defects. Identifiers: MedGen C4478940, MONDO:0100478, OMIM 613735.

Submission:

Broad Center for Mendelian Genomics, Broad Institute of MIT and Harvard
Classification: Likely pathogenic for Brain malformations with or without urinary tract defects. Last evaluated: 2023-01-25. Review status: criteria provided, single submitter. Criteria: ACMG Guidelines, 2015. Collection method: curation. Allele origin: germline. Inheritance: Autosomal dominant inheritance.
Comment: Trio exome analysis showed this variant to be de novo. The p.Glu134ArgfsTer46 variant in NFIA has not been previously reported in individuals with brain malformations with or without urinary tract defects. This variant was absent from large population studies. This variant is predicted to cause a frameshift, which alters the protein‚Äôs amino acid sequence beginning at position 134 and leads to a premature termination codon 46 amino acids downstream. This alteration is then predicted to lead to a truncated or absent protein. Heterozygous loss of function of the NFIA gene is strongly associated to autosomal dominant brain malformations with or without urinary tract defects. In summary, although additional studies are required to fully establish its clinical significance, this variant is likely pathogenic for autosomal dominant brain malformations with or without urinary tract defects. ACMG/AMP Criteria applied: PVS1_Strong, PS2_Supporting, PM2_Supporting (Richards 2015).